The following is an entry in ClinVar:

NM_001127392.3(MYRF):c.1577G>A (p.Arg526His)

Gene: MYRF (myelin regulatory factor; plus strand). Cytogenetic location: 11q12.2.
Variant type: single nucleotide variant.
Coding change: c.1577G>A on transcript NM_001127392.3 (MANE Select); coding-DNA position 1577, G replaced by A.
Protein change: p.Arg526His; replaces arginine 526 with histidine.
Molecular consequence: missense variant.
Genome position (GRCh38, 1-based): chr11:61,776,864, G>A. VCF-style: chr11-61776864-G-A. GRCh37 (hg19) VCF-style: chr11-61544336-G-A.
Other names: c.1550G>A, p.Arg517His (NM_013279.4); short protein forms R517H, R526H.
Identifiers: ClinVar variation 2628486 (VCV002628486.1), dbSNP rs2540954236, ClinGen allele CA380855543.

ClinVar aggregate classification (germline): Likely pathogenic (1 of 4 stars; one submission).

Conditions:
MYRF-related disorder. Also called: MYRF-related condition; MYRF-related disorders.

Submission:

PreventionGenetics, part of Exact Sciences
Classification: Likely pathogenic for MYRF-related condition. Last evaluated: 2022-09-30. Review status: criteria provided, single submitter. Criteria: ACMG Guidelines, 2015. Collection method: clinical testing. Allele origin: germline.
Comment: The MYRF c.1577G>A variant is predicted to result in the amino acid substitution p.Arg526His. To our knowledge, this variant has not been reported in the literature or in a large population database, indicating this variant is rare. This variant is interpreted as likely pathogenic.